The following is an entry in ClinVar:

NM_001365536.1(SCN9A):c.5018A>C (p.Asp1673Ala)

Genes: SCN9A (sodium voltage-gated channel alpha subunit 9; minus strand), SCN1A-AS1 (SCN1A and SCN9A antisense RNA 1; plus strand). Cytogenetic location: 2q24.3.
Variant type: single nucleotide variant.
Coding change: c.5018A>C on transcript NM_001365536.1 (MANE Select); coding-DNA position 5018, A replaced by C.
Protein change: p.Asp1673Ala; replaces aspartic acid 1673 with alanine.
Molecular consequence: missense variant.
Genome position (GRCh38, 1-based): chr2:166,199,621, T>G on the plus strand (A>C on the coding strand, the complement: SCN9A is on the minus strand). VCF-style: chr2-166199621-T-G. GRCh37 (hg19) VCF-style: chr2-167056131-T-G.
Other names: c.4985A>C, p.Asp1662Ala (NM_002977.4); short protein forms D1662A, D1673A.
Identifiers: ClinVar variation 1051486 (VCV001051486.9), dbSNP rs1693382964, ClinGen allele CA349054905.
Genomic context (GRCh38, chr2:166,199,621, plus strand): 5'-TGGAACAGGCAAATCATACTGTTGCCAAAGGTCTCAAAATTGAACATGTCATTAATTCCA[T>G]CTTCCTTTTTAACATAGGCAAAGTTGGACATTCCAAAGATGGCGTAGATGAACATGACCA-3'
Protein context (NP_001352465.1, residues 1663-1683): MSNFAYVKKE[Asp1673Ala]GINDMFNFET

ClinVar aggregate classification (germline): Uncertain significance (1 of 4 stars; one submission).

Conditions:
Neuropathy, hereditary sensory and autonomic, type 2A (HSAN2A). Also called: HSAN IIA; ACROOSTEOLYSIS, GIACCAI TYPE; ACROOSTEOLYSIS, NEUROGENIC; MORVAN DISEASE; NEUROPATHY, CONGENITAL SENSORY; NEUROPATHY, HEREDITARY SENSORY RADICULAR, AUTOSOMAL RECESSIVE. Identifiers: Orphanet 970, MedGen C2752089, MONDO:0024309, OMIM 201300.
Generalized epilepsy with febrile seizures plus, type 7 (GEFSP7). Also called: GEFS+, TYPE 7. Identifiers: Orphanet 36387, MedGen C2751778, MONDO:0013470, OMIM 613863.

Submission:

Labcorp Genetics (formerly Invitae), Labcorp
Classification: Uncertain significance for Neuropathy, hereditary sensory and autonomic, type 2A; Generalized epilepsy with febrile seizures plus, type 7. Last evaluated: 2020-07-20. Review status: criteria provided, single submitter. Criteria: Invitae Variant Classification Sherloc (09022015). Collection method: clinical testing. Allele origin: germline.
Comment: In summary, the available evidence is currently insufficient to determine the role of this variant in disease. Therefore, it has been classified as a Variant of Uncertain Significance. Algorithms developed to predict the effect of missense changes on protein structure and function output the following: SIFT: "Tolerated"; PolyPhen-2: "Benign"; Align-GVGD: "Class C0". The alanine amino acid residue is found in multiple mammalian species, suggesting that this missense change does not adversely affect protein function. These predictions have not been confirmed by published functional studies and their clinical significance is uncertain. This variant has not been reported in the literature in individuals with SCN9A-related conditions. This variant is not present in population databases (ExAC no frequency). This sequence change replaces aspartic acid with alanine at codon 1662 of the SCN9A protein (p.Asp1662Ala). The aspartic acid residue is weakly conserved and there is a moderate physicochemical difference between aspartic acid and alanine.